The following is an entry in ClinVar:

NM_012452.3(TNFRSF13B):c.49del (p.Gln17fs)

Gene: TNFRSF13B (TNF receptor superfamily member 13B; minus strand). Cytogenetic location: 17p11.2.
Variant type: Deletion.
Coding change: c.49del on transcript NM_012452.3 (MANE Select); coding-DNA position 49, one base deleted (C; older notation c.49delC).
Protein change: p.Gln17fs; shifts the reading frame from glutamine 17.
Molecular consequence: frameshift variant.
Genome position (GRCh38, 1-based): chr17:16,972,027, G deleted on the plus strand (C on the coding strand, the reverse complement: TNFRSF13B is on the minus strand); the first of 2 consecutive G bases (chr17:16,972,027-16,972,028); deleting either gives the same sequence. VCF-style (leftmost placement, unchanged base first): chr17-16972026-TG-T. GRCh37 (hg19) VCF-style: chr17-16875340-TG-T.
Other names: c.49delC (NM_012452.2); c.49del (NM_012452.2); short protein forms Q17fs.
Identifiers: ClinVar variation 538707 (VCV000538707.8), dbSNP rs1555550717, ClinGen allele CA658798719.

ClinVar aggregate classification (germline): Pathogenic/Likely pathogenic. Review status: criteria provided, multiple submitters, no conflicts (2 of 4 stars). 2 submissions from 2 submitters: Pathogenic (1); Likely pathogenic (1). Last evaluated 2025-12-29.

Conditions:
Immunodeficiency, common variable, 2 (CVID2). Also called: ANTIBODY DEFICIENCY DUE TO TACI DEFECT; HYPOGAMMAGLOBULINEMIA DUE TO TACI DEFICIENCY. Identifiers: Orphanet 1572, MedGen C3150354, MONDO:0009413, OMIM 240500.

Submissions (2):

GeneDx
Classification: Likely pathogenic. Last evaluated: 2025-12-29. Review status: criteria provided, single submitter. Criteria: GeneDx Variant Classification Process June 2021. Collection method: clinical testing. Allele origin: germline. Affected: yes.
Comment: Has not been previously reported in peer-reviewed literature as pathogenic or benign to our knowledge. However, in an abstract by Lasso et al. (2025), the variant was identified in the heterozygous state in a proband with bronchiectasis, obliterative bronchiolitis, recurrent otitis media, and severe respiratory infection; it was inherited from the unaffected mother; Frameshift variant predicted to result in protein truncation or nonsense mediated decay in a gene for which loss of function is a known mechanism of disease; Not observed at significant frequency in large population cohorts (gnomAD); This variant is associated with the following publications: (PMID: 31589614, 16007087, 27123465, Lasso2025[Abstract])

Labcorp Genetics (formerly Invitae), Labcorp
Classification: Pathogenic for Immunodeficiency, common variable, 2. Last evaluated: 2025-12-23. Review status: criteria provided, single submitter. Criteria: Invitae Variant Classification Sherloc (09022015). Collection method: clinical testing. Allele origin: germline.
Comment: This sequence change creates a premature translational stop signal (p.Gln17Argfs*15) in the TNFRSF13B gene. It is expected to result in an absent or disrupted protein product. Loss-of-function variants in TNFRSF13B are known to be pathogenic (PMID: 16007087, 27123465). This variant is not present in population databases (gnomAD no frequency). This variant has not been reported in the literature in individuals affected with TNFRSF13B-related conditions. ClinVar contains an entry for this variant (Variation ID: 538707). For these reasons, this variant has been classified as Pathogenic.

Literature cited by the submitters: PubMed 16007087 (cited by Labcorp Genetics (formerly Invitae), Labcorp); PubMed 27123465 (cited by Labcorp Genetics (formerly Invitae), Labcorp).